The following is an entry in ClinVar:

Conditions:
Breast-ovarian cancer, familial, susceptibility to, 1 (BROVCA1). Also called: BRCA1 Hereditary Breast and Ovarian Cancer; OVARIAN CANCER, SUSCEPTIBILITY TO. Identifiers: Orphanet 145, MedGen C2676676, MONDO:0011450, OMIM 604370. Disease mechanism: loss of function.

gnomAD v4.1: 1 of 1,614,010 alleles (0.000062%); highest among the groups gnomAD compares: Non-Finnish European, 0.000085%; no homozygotes.

Submission:

Brotman Baty Institute, University of Washington
No classification provided (evidence only). Condition: Breast-ovarian cancer, familial 1. Review status: no classification provided. Collection method: in vitro. Allele origin: not applicable. Functional consequence: functionally_normal.
ClinVar note: "not provided" was previously submitted as the classification for the variant. However, the classification appeared to be based only on an observation of functional data so it was converted to no classification on 2025-07-30.

NM_007294.4(BRCA1):c.5527G>T (p.Ala1843Ser)

Gene: BRCA1 (BRCA1 DNA repair associated; minus strand). Cytogenetic location: 17q21.31.
Variant type: single nucleotide variant.
Coding change: c.5527G>T on transcript NM_007294.4 (MANE Select); coding-DNA position 5527, G replaced by T.
Protein change: p.Ala1843Ser; replaces alanine 1843 with serine.
Molecular consequence: missense variant. On other transcripts: 3 prime UTR variant (1), non-coding transcript variant (1).
Genome position (GRCh38, 1-based): chr17:43,045,743, C>A on the plus strand (G>T on the coding strand, the complement: BRCA1 is on the minus strand). VCF-style: chr17-43045743-C-A. GRCh37 (hg19) VCF-style: chr17-41197760-C-A.
Other names: c.2218G>T, p.Ala740Ser (NM_001407974.1, NM_001407975.1, NM_001407976.1 and 3 more transcripts); c.2215G>T, p.Ala739Ser (NM_001407979.1, NM_001407980.1, NM_001407981.1 and 11 more transcripts); c.5383G>T, p.Ala1795Ser (NM_001407740.1, NM_001407741.1, NM_001407742.1 and 18 more transcripts); c.5524G>T, p.Ala1842Ser (NM_001407616.1, NM_001407617.1, NM_001407618.1 and 14 more transcripts); c.5521G>T, p.Ala1841Ser (NM_001407635.1, NM_001407636.1, NM_001407637.1 and 13 more transcripts); c.5518G>T, p.Ala1840Ser (NM_001407644.1, NM_001407645.1); c.5446G>T, p.Ala1816Ser (NM_001407657.1, NM_001407658.1, NM_001407656.1); c.5443G>T, p.Ala1815Ser (NM_001407659.1, NM_001407660.1, NM_001407661.1 and 2 more transcripts); and 74 more; short protein forms A1843S, A1864S, A1796S, A739S, A1689S, A1716S, A1731S, A1732S.
Identifiers: ClinVar variation 867626 (VCV000867626.3), dbSNP rs80357019, ClinGen allele CA10590264.